The following is an entry in ClinVar:

ClinVar aggregate classification (germline): Uncertain significance (1 of 4 stars; one submission).

Submission:

Labcorp Genetics (formerly Invitae), Labcorp
Classification: Uncertain significance. Last evaluated: 2021-02-25. Review status: criteria provided, single submitter. Criteria: Invitae Variant Classification Sherloc (09022015). Collection method: clinical testing. Allele origin: germline.
Comment: This sequence change replaces histidine with glutamine at codon 132 of the LCT protein (p.His132Gln). The histidine residue is weakly conserved and there is a small physicochemical difference between histidine and glutamine. This variant is not present in population databases (ExAC no frequency). This variant has not been reported in the literature in individuals with LCT-related conditions. Algorithms developed to predict the effect of missense changes on protein structure and function output the following: SIFT: "Not Available"; PolyPhen-2: "Benign"; Align-GVGD: "Not Available". The glutamine amino acid residue is found in multiple mammalian species, suggesting that this missense change does not adversely affect protein function. These predictions have not been confirmed by published functional studies and their clinical significance is uncertain. In summary, the available evidence is currently insufficient to determine the role of this variant in disease. Therefore, it has been classified as a Variant of Uncertain Significance.

NM_002299.4(LCT):c.396C>G (p.His132Gln)

Gene: LCT (lactase; minus strand). Cytogenetic location: 2q21.3.
Variant type: single nucleotide variant.
Coding change: c.396C>G on transcript NM_002299.4 (MANE Select); coding-DNA position 396, C replaced by G.
Protein change: p.His132Gln; replaces histidine 132 with glutamine.
Molecular consequence: missense variant.
Genome position (GRCh38, 1-based): chr2:135,836,774, G>C on the plus strand (C>G on the coding strand, the complement: LCT is on the minus strand). VCF-style: chr2-135836774-G-C. GRCh37 (hg19) VCF-style: chr2-136594344-G-C.
Other names: short protein forms H132Q.
Identifiers: ClinVar variation 1489258 (VCV001489258.6), dbSNP rs2105562760, ClinGen allele CA348609419.